The following is an entry in ClinVar:

NM_006015.6(ARID1A):c.4768C>T (p.Pro1590Ser)

Gene: ARID1A (AT-rich interaction domain 1A; plus strand). Cytogenetic location: 1p36.11.
Variant type: single nucleotide variant.
Coding change: c.4768C>T on transcript NM_006015.6 (MANE Select); coding-DNA position 4768, C replaced by T.
Protein change: p.Pro1590Ser; replaces proline 1590 with serine.
Molecular consequence: missense variant.
Genome position (GRCh38, 1-based): chr1:26,774,995, C>T. VCF-style: chr1-26774995-C-T. GRCh37 (hg19) VCF-style: chr1-27101486-C-T.
Other names: c.4117C>T, p.Pro1373Ser (NM_139135.4); short protein forms P1373S, P1590S.
Identifiers: ClinVar variation 2176334 (VCV002176334.22), dbSNP rs370907880, ClinGen allele CA707515.
Genomic context (GRCh38, chr1:26,774,995, plus strand): 5'-TCTAACTACCAGCCCCCACCAAGCATGCAGAATCACATTCCTCAGGTATCCAGCCCTGCT[C>T]CCCTGCCCCGGCCAATGGAGAACCGCACCTCTCCTAGCAAGTCTCCATTCCTGCACTCTG-3'
Protein context (NP_006006.3, residues 1580-1600): NHIPQVSSPA[Pro1590Ser]LPRPMENRTS

ClinVar aggregate classification (germline): Benign/Likely benign. Review status: criteria provided, multiple submitters, no conflicts (2 of 4 stars). 2 submissions from 2 submitters: Benign (1); Likely benign (1). Last evaluated 2024-06-01.

Allele frequency attached by ClinVar (database versions not stated): ExAC 0.00001; ESP Exome Variant Server 0.00008.
gnomAD v4.1: 14 of 1,560,860 alleles (0.0009%); highest among the groups gnomAD compares: African/African-American, 0.014%; no homozygotes.

Submissions (2):

CeGaT Center for Human Genetics Tuebingen
Classification: Likely benign. Last evaluated: 2024-06-01. Review status: criteria provided, single submitter. Criteria: CeGaT Center For Human Genetics Tuebingen Variant Classification Criteria Version 2. Collection method: clinical testing. Allele origin: germline. Affected: yes. Observed: 1 variant allele.
Comment: ARID1A: BP4, BS1

Labcorp Genetics (formerly Invitae), Labcorp
Classification: Benign. Last evaluated: 2023-01-20. Review status: criteria provided, single submitter. Criteria: Invitae Variant Classification Sherloc (09022015). Collection method: clinical testing. Allele origin: germline.